The following is an entry in ClinVar:

NM_005257.6(GATA6):c.923C>T (p.Pro308Leu)

Gene: GATA6 (GATA binding protein 6; plus strand). Cytogenetic location: 18q11.2.
Variant type: single nucleotide variant.
Coding change: c.923C>T on transcript NM_005257.6 (MANE Select); coding-DNA position 923, C replaced by T.
Protein change: p.Pro308Leu; replaces proline 308 with leucine.
Molecular consequence: missense variant.
Genome position (GRCh38, 1-based): chr18:22,172,067, C>T. VCF-style: chr18-22172067-C-T. GRCh37 (hg19) VCF-style: chr18-19752028-C-T.
Other names: short protein forms P308L.
Identifiers: ClinVar variation 4797013 (VCV004797013.1).

ClinVar aggregate classification (germline): Uncertain significance (1 of 4 stars; one submission).

Conditions:
Atrioventricular septal defect 5 (AVSD5). Identifiers: MedGen C3280939, MONDO:0013769, OMIM 614474.

gnomAD v4.1: 1 of 1,437,398 alleles (0.00007%); highest among the groups gnomAD compares: Non-Finnish European, 0.000091%; no homozygotes.

Submission:

Labcorp Genetics (formerly Invitae), Labcorp
Classification: Uncertain significance for Atrioventricular septal defect 5. Last evaluated: 2025-12-29. Review status: criteria provided, single submitter. Criteria: Invitae Variant Classification Sherloc (09022015). Collection method: clinical testing. Allele origin: germline.
Comment: This sequence change replaces proline, which is neutral and non-polar, with leucine, which is neutral and non-polar, at codon 308 of the GATA6 protein (p.Pro308Leu). The frequency data for this variant in the population databases is considered unreliable, as metrics indicate insufficient coverage at this position in the gnomAD database. This variant has not been reported in the literature in individuals affected with GATA6-related conditions. Invitae Evidence Modeling of protein sequence and biophysical properties (such as structural, functional, and spatial information, amino acid conservation, physicochemical variation, residue mobility, and thermodynamic stability) indicates that this missense variant is not expected to disrupt GATA6 protein function with a negative predictive value of 80%. In summary, the available evidence is currently insufficient to determine the role of this variant in disease. Therefore, it has been classified as a Variant of Uncertain Significance.